The following is an entry in ClinVar:

NM_012096.3(APPL1):c.2002C>T (p.Arg668Trp)

Genes: APPL1 (adaptor protein, phosphotyrosine interacting with PH domain and leucine zipper 1; plus strand), ASB14 (ankyrin repeat and SOCS box containing 14; minus strand). Cytogenetic location: 3p14.3.
Variant type: single nucleotide variant.
Coding change: c.2002C>T on transcript NM_012096.3 (MANE Select); coding-DNA position 2002, C replaced by T.
Protein change: p.Arg668Trp; replaces arginine 668 with tryptophan.
Molecular consequence: missense variant. On other transcripts: 3 prime UTR variant (2).
Genome position (GRCh38, 1-based): chr3:57,269,559, C>T. VCF-style: chr3-57269559-C-T. GRCh37 (hg19) VCF-style: chr3-57303587-C-T.
Other names: c.*82G>A (NM_001142733.3, NM_130387.5); short protein forms R668W.
Identifiers: ClinVar variation 4988320 (VCV004988320.1).

ClinVar aggregate classification (germline): Uncertain significance (1 of 4 stars; one submission).

Conditions:
APPL1-related disorder. Also called: APPL1-related condition.

gnomAD v4.1: 31 of 1,613,652 alleles (0.0019%); highest among the groups gnomAD compares: Middle Eastern, 0.017%; no homozygotes.

Submission:

PreventionGenetics, part of Exact Sciences
Classification: Uncertain significance for APPL1-related condition. Last evaluated: 2026-01-18. Review status: criteria provided, single submitter. Criteria: ACMG Guidelines, 2015. Collection method: clinical testing. Allele origin: germline.
Comment: The APPL1 c.2002C>T variant is predicted to result in the amino acid substitution p.Arg668Trp. To our knowledge, this variant has not been reported in the literature. This variant is reported in 0.0062% of alleles in individuals of African descent in gnomAD. At this time, the clinical significance of this variant is uncertain due to the absence of conclusive functional and genetic evidence.